The following is an entry in ClinVar:

NM_006096.4(NDRG1):c.1077_1106dup (p.340TRSRSHTSEG[4])

Gene: NDRG1 (N-myc downstream regulated 1; minus strand). Cytogenetic location: 8q24.22.
Variant type: Duplication.
Coding change: c.1077_1106dup on transcript NM_006096.4 (MANE Select); coding-DNA positions 1077 to 1106, 30 bases duplicated (CACCCGCAGCCGCTCGCACACCAGCGAGGG).
Protein change: p.340TRSRSHTSEG[4].
Molecular consequence: inframe insertion.
Genome position (GRCh38, 1-based): chr8:133,238,957-133,238,986, CCCTCGCTGGTGTGCGAGCGGCTGCGGGTG duplicated on the plus strand (CACCCGCAGCCGCTCGCACACCAGCGAGGG on the coding strand, the reverse complement: NDRG1 is on the minus strand); duplicating any 30 consecutive bases within chr8:133,238,957-133,239,000 gives the same sequence; the c. name uses the placement nearest the transcript's 3' end. VCF-style (leftmost placement, unchanged base first): chr8-133238956-C-CCCCTCGCTGGTGTGCGAGCGGCTGCGGGTG. GRCh37 (hg19) VCF-style: chr8-134251199-C-CCCCTCGCTGGTGTGCGAGCGGCTGCGGGTG.
Other names: c.1077_1106dup30 (NM_006096.3); c.1077_1106dupCACCCGCAGCCGCTCGCACACCAGCGAGGG (NM_006096.3); c.1077_1106dup, p.340TRSRSHTSEG[4] (NM_001135242.2, NM_001374845.1, NM_001374846.1); c.879_908dup, p.274TRSRSHTSEG[4] (NM_001258432.2, NM_001374847.1); c.834_863dup, p.259TRSRSHTSEG[4] (NM_001258433.2); c.1128_1157dup, p.357TRSRSHTSEG[4] (NM_001374844.1).
Identifiers: ClinVar variation 476843 (VCV000476843.16), dbSNP rs1554747463, ClinGen allele CA4886418.

ClinVar aggregate classification (germline): Likely benign. Review status: criteria provided, multiple submitters, no conflicts (2 of 4 stars). 6 submissions from 6 submitters: Likely benign (4). 2 of the submissions do not count toward it. Last evaluated 2026-02-02.

Conditions:
NDRG1-related disorder. Also called: NDRG1-related condition.
Charcot-Marie-Tooth disease type 4. Also called: Charcot-Marie-Tooth, Type 4; Charcot-Marie-Tooth disease, type IV. Identifiers: Orphanet 64749, MedGen C4082197, MONDO:0018995.
Charcot-Marie-Tooth disease type 4D. Also called: Charcot-Marie-Tooth Neuropathy Type 4D; NEUROPATHY, HEREDITARY MOTOR AND SENSORY, LOM TYPE; CHARCOT-MARIE-TOOTH DISEASE, DEMYELINATING, TYPE 4D; CHARCOT-MARIE-TOOTH DISEASE, DEMYELINATING, AUTOSOMAL RECESSIVE, TYPE 4D. Identifiers: Orphanet 99950, MedGen C1832334, MONDO:0011085, OMIM 601455.
Inborn genetic diseases. Identifiers: MedGen C0950123, MeSH D030342.

Submissions (6):

Labcorp Genetics (formerly Invitae), Labcorp
Classification: Likely benign for Charcot-Marie-Tooth disease type 4. Last evaluated: 2026-02-02. Review status: criteria provided, single submitter. Criteria: Invitae Variant Classification Sherloc (09022015). Collection method: clinical testing. Allele origin: germline.

Blueprint Genetics
Classification: Likely benign. Last evaluated: 2024-05-31. Review status: criteria provided, single submitter. Criteria: ACMG Guidelines, 2015. Collection method: clinical testing. Allele origin: germline.

GeneDx
Classification: Likely benign. Last evaluated: 2021-04-20. Review status: criteria provided, single submitter. Criteria: GeneDx Variant Classification (06012015). Collection method: clinical testing. Allele origin: germline. Affected: yes.
Comment: In-frame duplication of 10 amino acids in a repetitive region with no known function; Has not been previously published as pathogenic or benign to our knowledge

Ambry Genetics
Classification: Likely benign for Inborn genetic diseases. Last evaluated: 2019-11-15. Review status: criteria provided, single submitter. Criteria: Ambry Variant Classification Scheme 2023. Collection method: clinical testing. Allele origin: germline.

PreventionGenetics, part of Exact Sciences
Classification: Likely benign for NDRG1-related condition. Last evaluated: 2024-08-05. Review status: no assertion criteria provided. Collection method: clinical testing. Allele origin: germline. Not counted in ClinVar's aggregate classification.
Comment: This variant is classified as likely benign based on ACMG/AMP sequence variant interpretation guidelines (Richards et al. 2015 PMID: 25741868, with internal and published modifications).

Natera, Inc.
Classification: Likely benign for Charcot-Marie-Tooth disease type 4D. Last evaluated: 2021-07-29. Review status: no assertion criteria provided. Collection method: clinical testing. Allele origin: germline. Not counted in ClinVar's aggregate classification.